The following is an entry in ClinVar:

NM_024496.4(IRF2BPL):c.2222C>G (p.Pro741Arg)

Gene: IRF2BPL (interferon regulatory factor 2 binding protein like; minus strand). Cytogenetic location: 14q24.3.
Variant type: single nucleotide variant.
Coding change: c.2222C>G on transcript NM_024496.4 (MANE Select); coding-DNA position 2222, C replaced by G.
Protein change: p.Pro741Arg; replaces proline 741 with arginine.
Molecular consequence: missense variant.
Genome position (GRCh38, 1-based): chr14:77,025,571, G>C on the plus strand (C>G on the coding strand, the complement: IRF2BPL is on the minus strand). VCF-style: chr14-77025571-G-C. GRCh37 (hg19) VCF-style: chr14-77491914-G-C.
Other names: short protein forms P741R.
Identifiers: ClinVar variation 3369130 (VCV003369130.2).

ClinVar aggregate classification (germline): Uncertain significance (1 of 4 stars; one submission).

Submission:

GeneDx
Classification: Uncertain significance. Last evaluated: 2024-11-26. Review status: criteria provided, single submitter. Criteria: GeneDx Variant Classification Process June 2021. Collection method: clinical testing. Allele origin: germline.
Comment: Not observed at significant frequency in large population cohorts (gnomAD); In silico analysis supports that this missense variant has a deleterious effect on protein structure/function; Has not been previously published as pathogenic or benign to our knowledge